The following is an entry in ClinVar:

NM_005633.4(SOS1):c.754A>C (p.Ile252Leu)

Gene: SOS1 (SOS Ras/Rac guanine nucleotide exchange factor 1; minus strand). Cytogenetic location: 2p22.1.
Variant type: single nucleotide variant.
Coding change: c.754A>C on transcript NM_005633.4 (MANE Select); coding-DNA position 754, A replaced by C.
Protein change: p.Ile252Leu; replaces isoleucine 252 with leucine.
Molecular consequence: missense variant.
Genome position (GRCh38, 1-based): chr2:39,051,254, T>G on the plus strand (A>C on the coding strand, the complement: SOS1 is on the minus strand). VCF-style: chr2-39051254-T-G. GRCh37 (hg19) VCF-style: chr2-39278395-T-G.
Other names: c.733A>C, p.Ile245Leu (NM_001382394.1); c.754A>C, p.Ile252Leu (NM_001382395.1); short protein forms I245L, I252L.
Identifiers: ClinVar variation 1177275 (VCV001177275.10), dbSNP rs1158811958, ClinGen allele CA346367788.

ClinVar aggregate classification (germline): Uncertain significance. Review status: criteria provided, multiple submitters, no conflicts (2 of 4 stars). 7 submissions from 6 submitters: Uncertain significance (7). Last evaluated 2025-08-31.

Conditions:
Noonan syndrome 4 (NS4). Also called: SOS1-Related Noonan Syndrome; NOONAN SYNDROME WITH PIGMENTED VILLONODULAR SYNOVITIS. Identifiers: Orphanet 648, MedGen C1853120, MONDO:0012547, OMIM 610733.
Fibromatosis, gingival, 1 (GINGF1). Identifiers: Orphanet 2024, MedGen C4551558, MONDO:0007609, OMIM 135300.
RASopathy. Also called: rasopathies; Noonan spectrum disorder. Identifiers: Orphanet 536391, MedGen C5555857, MONDO:0021060.
Cardiovascular phenotype. Identifiers: MedGen CN230736.

Allele frequency attached by ClinVar (database versions not stated): gnomAD exomes below 0.00001; gnomAD 0.00001.

Submissions (7):

Labcorp Genetics (formerly Invitae), Labcorp
Classification: Uncertain significance for RASopathy. Last evaluated: 2025-08-31. Review status: criteria provided, single submitter. Criteria: Invitae Variant Classification Sherloc (09022015). Collection method: clinical testing. Allele origin: germline.
Comment: This sequence change replaces isoleucine, which is neutral and non-polar, with leucine, which is neutral and non-polar, at codon 252 of the SOS1 protein (p.Ile252Leu). This variant is present in population databases (no rsID available, gnomAD 0.004%). This variant has not been reported in the literature in individuals affected with SOS1-related conditions. ClinVar contains an entry for this variant (Variation ID: 1177275). Invitae Evidence Modeling of protein sequence and biophysical properties (such as structural, functional, and spatial information, amino acid conservation, physicochemical variation, residue mobility, and thermodynamic stability) has been performed for this missense variant. However, the output from this modeling did not meet the statistical confidence thresholds required to predict the impact of this variant on SOS1 protein function. This variant disrupts the p.Ile252 amino acid residue in SOS1. Other variant(s) that disrupt this residue have been determined to be pathogenic (PMID: 21387466, 23487764, 23756559, 25712082). This suggests that this residue is clinically significant, and that variants that disrupt this residue are likely to be disease-causing. In summary, the available evidence is currently insufficient to determine the role of this variant in disease. Therefore, it has been classified as a Variant of Uncertain Significance.

Ambry Genetics
Classification: Uncertain significance for Cardiovascular phenotype. Last evaluated: 2025-01-03. Review status: criteria provided, single submitter. Criteria: Ambry Variant Classification Scheme 2023. Collection method: clinical testing. Allele origin: germline.
Comment: The p.I252L variant (also known as c.754A>C), located in coding exon 6 of the SOS1 gene, results from an A to C substitution at nucleotide position 754. The isoleucine at codon 252 is replaced by leucine, an amino acid with highly similar properties. This amino acid position is not well conserved in available vertebrate species. In addition, the in silico prediction for this alteration is inconclusive. Based on the available evidence, the clinical significance of this variant remains unclear.

St. Jude Molecular Pathology, St. Jude Children's Research Hospital
Classification: Uncertain significance for Noonan syndrome 4. Last evaluated: 2023-10-31. Review status: criteria provided, single submitter. Criteria: St. Jude Assertion Criteria 2020. Collection method: clinical testing. Allele origin: germline.
Comment: The SOS1 c.754A>C (p.Ile252Leu) missense change has a maximum subpopulation frequency of 0.00088% in gnomAD v2.1.1. The in silico tool REVEL is inconclusive about a pathogenic or benign effect of this variant on protein function, and to our knowledge functional studies have not been performed. To our knowledge, this variant has not been reported in individuals with Noonan syndrome. In summary, the evidence currently available is insufficient to determine the clinical significance of this variant. It has therefore been classified as of uncertain significance.

Fulgent Genetics
Classification: Uncertain significance for Fibromatosis, gingival, 1; Noonan syndrome 4. Last evaluated: 2021-08-31. Review status: criteria provided, single submitter. Criteria: ACMG Guidelines, 2015. Collection method: clinical testing. Allele origin: unknown.

Women's Health and Genetics/Laboratory Corporation of America, LabCorp
Classification: Uncertain significance. Last evaluated: 2021-06-21. Review status: criteria provided, single submitter. Criteria: LabCorp Variant Classification Summary - May 2015. Collection method: clinical testing. Allele origin: germline.
Comment: Variant summary: SOS1 c.754A>C (p.Ile252Leu) results in a conservative amino acid change located in the Dbl homology (DH) domain (IPR000219) of the encoded protein sequence. Three of five in-silico tools predict a benign effect of the variant on protein function. The variant allele was found at a frequency of 4e-06 in 251304 control chromosomes (gnomAD). The available data on variant occurrences in the general population are insufficient to allow any conclusion about variant significance. To our knowledge, no occurrence of c.754A>C in individuals affected with Noonan Syndrome and no experimental evidence demonstrating its impact on protein function have been reported. No clinical diagnostic laboratories have submitted clinical-significance assessments for this variant to ClinVar after 2014. Based on the evidence outlined above, the variant was classified as uncertain significance.

Genome-Nilou Lab
Classification: Uncertain significance for Noonan syndrome 4. Review status: criteria provided, single submitter. Criteria: ACMG Guidelines, 2015. Collection method: clinical testing. Allele origin: germline.

Genome-Nilou Lab
Classification: Uncertain significance for Fibromatosis, gingival, 1. Review status: criteria provided, single submitter. Criteria: ACMG Guidelines, 2015. Collection method: clinical testing. Allele origin: germline.

Literature cited by the submitters: PubMed 21387466 (cited by Labcorp Genetics (formerly Invitae), Labcorp); PubMed 23487764 (cited by Labcorp Genetics (formerly Invitae), Labcorp); PubMed 23756559 (cited by Labcorp Genetics (formerly Invitae), Labcorp); PubMed 25712082 (cited by Labcorp Genetics (formerly Invitae), Labcorp).